The following is an entry in ClinVar:

ClinVar aggregate classification (germline): Conflicting classifications of pathogenicity. Review status: criteria provided, conflicting classifications (1 of 4 stars). 4 submissions from 4 submitters: Uncertain significance (1); Likely benign (3). Last evaluated 2025-11-28.

Conditions:
Epidermolysis bullosa simplex 5B, with muscular dystrophy (EBS5B). Also called: EPIDERMOLYSIS BULLOSA SIMPLEX AND LIMB-GIRDLE MUSCULAR DYSTROPHY; Epidermolysis bullosa simplex with muscular dystrophy. Identifiers: Orphanet 257, MedGen C2931072, MONDO:0009181, OMIM 226670.
Autosomal recessive limb-girdle muscular dystrophy type 2Q (LGMDR17). Also called: MUSCULAR DYSTROPHY, LIMB-GIRDLE, AUTOSOMAL RECESSIVE 17. Identifiers: Orphanet 254361, MedGen C3150989, MONDO:0013390, OMIM 613723.
Epidermolysis bullosa simplex, Ogna type (EBS5A). Also called: Pidermolysis bullosa simplex 5A, Ogna type; EPIDERMOLYSIS BULLOSA SIMPLEX 5A, OGNA TYPE. Identifiers: Orphanet 79401, MedGen C0432317, MONDO:0007555, OMIM 131950.
Epidermolysis bullosa simplex with nail dystrophy (EBS5D). Identifiers: MedGen C4225309, MONDO:0014661, OMIM 616487.
Epidermolysis bullosa simplex 5C, with pyloric atresia (EBS5C). Also called: PLEC-Related Epidermolysis Bullosa with Pyloric Atresia; Epidermolysis bullosa simplex with pyloric atresia; PLEC1-Related Epidermolysis Bullosa with Pyloric Atresia. Identifiers: Orphanet 158684, MedGen C2677349, MONDO:0012807, OMIM 612138.

Allele frequency attached by ClinVar (database versions not stated): gnomAD 0.00003 and 0.00004; gnomAD exomes 0.00004 and 0.00007; TOPMed 0.00004; ExAC 0.00007.
gnomAD v4.1: 63 of 1,607,524 alleles (0.0039%); highest among the groups gnomAD compares: Middle Eastern, 0.068%; no homozygotes.

Submissions (4):

Mayo Clinic Laboratories, Mayo Clinic
Classification: Likely benign. Last evaluated: 2025-11-28. Review status: criteria provided, single submitter. Criteria: ACMG Guidelines, 2015. Collection method: clinical testing. Allele origin: germline. Observed: 1 variant allele.
Comment: BP4, BP7

Labcorp Genetics (formerly Invitae), Labcorp
Classification: Likely benign for Autosomal recessive limb-girdle muscular dystrophy type 2Q; Epidermolysis bullosa simplex, Ogna type; Epidermolysis bullosa simplex with nail dystrophy; Epidermolysis bullosa simplex 5C, with pyloric atresia; Epidermolysis bullosa simplex 5B, with muscular dystrophy. Last evaluated: 2025-09-30. Review status: criteria provided, single submitter. Criteria: Invitae Variant Classification Sherloc (09022015). Collection method: clinical testing. Allele origin: germline.

Blueprint Genetics
Classification: Likely benign. Last evaluated: 2024-07-17. Review status: criteria provided, single submitter. Criteria: ACMG Guidelines, 2015. Collection method: clinical testing. Allele origin: germline.

Eurofins Ntd Llc (ga)
Classification: Uncertain significance. Last evaluated: 2017-01-04. Review status: criteria provided, single submitter. Criteria: EGL Classification Definitions 2015. Collection method: clinical testing. Allele origin: germline. Observed: 2 variant alleles, 2 heterozygotes.

NM_201384.3(PLEC):c.13458C>T (p.Thr4486=)

Gene: PLEC (plectin; minus strand). Cytogenetic location: 8q24.3.
Variant type: single nucleotide variant.
Coding change: c.13458C>T on transcript NM_201384.3 (MANE Select); coding-DNA position 13458, C replaced by T.
Protein change: p.Thr4486=; no amino-acid change (threonine 4486 retained).
Molecular consequence: synonymous variant.
Genome position (GRCh38, 1-based): chr8:143,916,363, G>A on the plus strand (C>T on the coding strand, the complement: PLEC is on the minus strand). VCF-style: chr8-143916363-G-A. GRCh37 (hg19) VCF-style: chr8-144990531-G-A.
Other names: p.Thr4513=; c.13539C>T, p.Thr4513= (NM_000445.5); c.13416C>T, p.Thr4472= (NM_201378.4); c.13392C>T, p.Thr4464= (NM_201379.3); c.13869C>T, p.Thr4623= (NM_201380.4); c.13362C>T, p.Thr4454= (NM_201381.3); c.13458C>T, p.Thr4486= (NM_201382.4); c.13470C>T, p.Thr4490= (NM_201383.3).
Identifiers: ClinVar variation 497097 (VCV000497097.15), dbSNP rs782560017, ClinGen allele CA4923804.
Genomic context (GRCh38, chr8:143,916,363, plus strand): 5'-AAAGCTGCCGCGGCGGGAGCCGGCCCGGGAGCCGGTGCGCGAGCCGGTGCGGGAGCCAGC[G>A]GTAGAGCCGGAGCCGCTGACGCTGTAGGGGCTGTAGTAGCCCTTGGTGGACTGCGCGGCA-3'
Protein context (NP_958786.1, residues 4476-4496): SPYSVSGSGS[Thr4486=]AGSRTGSRTG